The following continues an entry in ClinVar:

NM_006765.4(TUSC3):c.992C>A (p.Ser331Ter)

Gene: TUSC3. ClinVar aggregate classification (germline): Pathogenic/Likely pathogenic. Pathogenic (13); Likely pathogenic (2).

Submissions 12 to 15 of 15:

Human Genome Sequencing Center Clinical Lab, Baylor College of Medicine
Classification: Pathogenic for Intellectual disability. Last evaluated: 2019-11-18. Review status: criteria provided, single submitter. Criteria: ACMG Guidelines, 2015. Collection method: research. Allele origin: inherited. Inheritance: Autosomal recessive inheritance. Affected: yes. Observed: 1 homozygote.
Comment: The c.992C>A (p.Ser331Ter) variant in TUSC3 gene is predicted to introduce a premature translation termination codon. It is predicted to cause loss of normal protein function either through abnormal, prematurely truncated protein, or by absence of protein product due to nonsense-mediated mRNA decay. This variant has been observed at an ultra-low frequency in the general population (gnomAD database 25/282,626). This variant has been reported previously in the hemizygous state in an individual with intellectual disability and autism where it was in trans with a TUSC3 gene deletion (PMID 23806237). Biallelic loss-of-function variants in TUSC3 gene have been reported to cause autosomal recessive intellectual disability in multiple studies (PMID: 27148795, 18452889, 18455129). For these reasons, this variant has been classified as Pathogenic.

Centre for Mendelian Genomics, University Medical Centre Ljubljana
Classification: Pathogenic for Intellectual developmental disorder, autosomal recessive 7. Last evaluated: 2018-11-08. Review status: criteria provided, single submitter. Criteria: ACMG Guidelines, 2015. Collection method: clinical testing. Allele origin: unknown. Affected: yes.
Comment: This variant was classified as: Pathogenic. The following ACMG criteria were applied in classifying this variant: PVS1,PS1,PM2.

Eurofins Ntd Llc (ga)
Classification: Pathogenic. Last evaluated: 2012-09-09. Review status: criteria provided, single submitter. Criteria: EGL Classification Definitions 2015. Collection method: clinical testing. Allele origin: germline. Observed: 4 variant alleles, 1 heterozygote, 3 homozygotes.

Institute for Medical Genetics and Human Genetics, Charité - Universitätsmedizin Berlin
Classification: Pathogenic for Intellectual developmental disorder, autosomal recessive 7. Review status: criteria provided, single submitter. Criteria: ACMG Guidelines, 2015. Collection method: clinical testing. Allele origin: germline. Inheritance: Autosomal recessive inheritance. Affected: yes. Observed: 1 compound heterozygote.
Comment: The variant c.992C>A leads to a premature stop codon, which probably causes a premature termination of protein biosynthesis at amino acid position 331. TUSC3 (OMIM #601385) encodes a protein involved in N-glycosylation and the magnesium transport system of the plasma membrane (PMID: 18452889, 19717468). Pathogenic homozygous nonsense variants in the TUSC3 gene have already been described in connection with the TUSC3-associated autosomal recessive mental retardation syndrome. Affected individuals show a non-syndromal global developmental delay and mild to severe mental retardation (MIM: 611093; PMID: 18452889, 27148795, 21739581). According to the current state of knowledge, the change presented here is a pathogenic variant (class 5).

Literature cited by the submitters: PubMed 18455129 (cited by Labcorp Genetics (formerly Invitae), Labcorp); PubMed 25626710 (cited by Labcorp Genetics (formerly Invitae), Labcorp); PubMed 23806237 (cited by 4 submitters); PubMed 32767738 (cited by 3 submitters); PubMed 26077850 (cited by Victorian Clinical Genetics Services, Murdoch Childrens Research Institute); PubMed 34646667 (cited by Victorian Clinical Genetics Services, Murdoch Childrens Research Institute).